The following is an entry in ClinVar:

ClinVar aggregate classification (germline): Likely benign. Review status: criteria provided, single submitter (1 of 4 stars). 2 submissions from 2 submitters: Likely benign (1). 1 of the submissions does not count toward it. Last evaluated 2024-07-19.

Conditions:
Bifunctional peroxisomal enzyme deficiency (DBIF). Also called: PBFE DEFICIENCY; D-bifunctional protein deficiency; DBP DEFICIENCY. Identifiers: Orphanet 300, MedGen C0342870, MONDO:0009855, OMIM 261515. Disease mechanism: loss of function.
Perrault syndrome. Also called: Gonadal dysgenesis with auditory dysfunction, autosomal recessive inheritance. Identifiers: Orphanet 2855, MedGen C0685838, MONDO:0017312.
HSD17B4-related disorder. Also called: HSD17B4-related disorders; HSD17B4-related condition.

Allele frequency attached by ClinVar (database versions not stated): gnomAD exomes below 0.00001; gnomAD 0.00001.
gnomAD v4.1: 3 of 1,611,798 alleles (0.00019%); highest among the groups gnomAD compares: African/African-American, 0.004%; no homozygotes.

Submissions (2):

Labcorp Genetics (formerly Invitae), Labcorp
Classification: Likely benign for Perrault syndrome; Bifunctional peroxisomal enzyme deficiency. Last evaluated: 2024-07-19. Review status: criteria provided, single submitter. Criteria: Invitae Variant Classification Sherloc (09022015). Collection method: clinical testing. Allele origin: germline.

PreventionGenetics, part of Exact Sciences
Classification: Likely benign for HSD17B4-related condition. Last evaluated: 2024-06-16. Review status: no assertion criteria provided. Collection method: clinical testing. Allele origin: germline. Not counted in ClinVar's aggregate classification.
Comment: This variant is classified as likely benign based on ACMG/AMP sequence variant interpretation guidelines (Richards et al. 2015 PMID: 25741868, with internal and published modifications).

NM_000414.4(HSD17B4):c.1548T>A (p.Ile516=)

Gene: HSD17B4 (hydroxysteroid 17-beta dehydrogenase 4; plus strand). Cytogenetic location: 5q23.1.
Variant type: single nucleotide variant.
Coding change: c.1548T>A on transcript NM_000414.4 (MANE Select); coding-DNA position 1548, T replaced by A.
Protein change: p.Ile516=; no amino-acid change (isoleucine 516 retained).
Molecular consequence: synonymous variant. On other transcripts: non-coding transcript variant (2).
Genome position (GRCh38, 1-based): chr5:119,525,260, T>A. VCF-style: chr5-119525260-T-A. GRCh37 (hg19) VCF-style: chr5-118860955-T-A.
Other names: c.1548T>A (NM_000414.3); c.1623T>A, p.Ile541= (NM_001199291.3); c.1494T>A, p.Ile498= (NM_001199292.2); c.1476T>A, p.Ile492= (NM_001292027.2, NM_001374498.1); c.1128T>A, p.Ile376= (NM_001292028.2); c.1539T>A, p.Ile513= (NM_001374497.1); c.1221T>A, p.Ile407= (NM_001374499.1); c.1107T>A, p.Ile369= (NM_001374500.1); and 1 more.
Identifiers: ClinVar variation 2930615 (VCV002930615.4), dbSNP rs987656287, ClinGen allele CA125853396.
Genomic context (GRCh38, chr5:119,525,260, plus strand): 5'-TATGCTTTCTCCACAGGCTGCTTTGTACCGCCTCAGTGGAGACTGGAATCCCTTACACAT[T>A]GATCCTAACTTTGCTAGTCTAGCAGGTGAGTTGTCTTTAATATGTATCAATGAAAAATAT-3'
Protein context (NP_000405.1, residues 506-526): RLSGDWNPLH[Ile516=]DPNFASLAGF